The following is an entry in ClinVar:

ClinVar aggregate classification (germline): Conflicting classifications of pathogenicity. Review status: criteria provided, conflicting classifications (1 of 4 stars). 2 submissions from 2 submitters: Uncertain significance (1); Likely benign (1). Last evaluated 2025-01-30.

Conditions:
Amyotrophic lateral sclerosis type 6. Also called: FUS-Related Amyotrophic Laterial Sclerosis; AMYOTROPHIC LATERAL SCLEROSIS 6 WITHOUT FRONTOTEMPORAL DEMENTIA; Amyotrophic lateral sclerosis 6, with or without frontotemporal dementia. Identifiers: Orphanet 275872, Orphanet 803, MedGen C2931786, MONDO:0011951, OMIM 608030.
Tremor, hereditary essential, 4 (ETM4). Identifiers: MedGen C3539195, MONDO:0013888, OMIM 614782.

Submissions (2):

Athena Diagnostics
Classification: Uncertain significance. Last evaluated: 2025-01-30. Review status: criteria provided, single submitter. Criteria: Athena Diagnostics Criteria. Collection method: clinical testing. Allele origin: unknown.
Comment: Available data are insufficient to determine the clinical significance of the variant at this time. This variant has not been reported in large, multi-ethnic general populations. Computational tools yielded predictions that this variant is unlikely to have an effect on normal RNA splicing.

Labcorp Genetics (formerly Invitae), Labcorp
Classification: Likely benign for Tremor, hereditary essential, 4; Amyotrophic lateral sclerosis type 6. Last evaluated: 2024-12-12. Review status: criteria provided, single submitter. Criteria: Invitae Variant Classification Sherloc (09022015). Collection method: clinical testing. Allele origin: germline.

NM_004960.4(FUS):c.1067-10G>A

Gene: FUS (FUS RNA binding protein; plus strand). Cytogenetic location: 16p11.2.
Variant type: single nucleotide variant.
Coding change: c.1067-10G>A on transcript NM_004960.4 (MANE Select); 10 bases into the intron before coding-DNA position 1067, G replaced by A.
Molecular consequence: intron variant.
Genome position (GRCh38, 1-based): chr16:31,190,030, G>A. VCF-style: chr16-31190030-G-A. GRCh37 (hg19) VCF-style: chr16-31201351-G-A.
Other names: c.1067-10G>A (NM_004960.3); c.1055-10G>A (NM_001170937.1); c.1064-10G>A (NM_001170634.1).
Identifiers: ClinVar variation 3751378 (VCV003751378.3).